The following is an entry in ClinVar:

ClinVar aggregate classification (germline): Likely benign (1 of 4 stars; one submission).

gnomAD v4.1: 6 of 1,573,902 alleles (0.00038%); highest among the groups gnomAD compares: Non-Finnish European, 0.00052%; no homozygotes.

Submission:

CeGaT Center for Human Genetics Tuebingen
Classification: Likely benign. Last evaluated: 2026-05-01. Review status: criteria provided, single submitter. Criteria: CeGaT Center For Human Genetics Tuebingen Variant Classification Criteria Version 2. Collection method: clinical testing. Allele origin: germline. Affected: yes. Observed: 1 variant allele.
Comment: FMN2: BP4, BP7

NM_020066.5(FMN2):c.711T>C (p.Thr237=)

Gene: FMN2 (formin 2; plus strand). Cytogenetic location: 1q43.
Variant type: single nucleotide variant.
Coding change: c.711T>C on transcript NM_020066.5 (MANE Select); coding-DNA position 711, T replaced by C.
Protein change: p.Thr237=; no amino-acid change (threonine 237 retained).
Molecular consequence: synonymous variant.
Genome position (GRCh38, 1-based): chr1:240,092,820, T>C. VCF-style: chr1-240092820-T-C. GRCh37 (hg19) VCF-style: chr1-240256120-T-C.
Other names: c.711T>C, p.Thr237= (NM_001305424.2, NM_001348094.2).
Identifiers: ClinVar variation 4873370 (VCV004873370.2).